The following is an entry in ClinVar:

NM_004082.5(DCTN1):c.3185G>A (p.Gly1062Asp)

Gene: DCTN1 (dynactin subunit 1; minus strand). Cytogenetic location: 2p13.1.
Variant type: single nucleotide variant.
Coding change: c.3185G>A on transcript NM_004082.5 (MANE Select); coding-DNA position 3185, G replaced by A.
Protein change: p.Gly1062Asp; replaces glycine 1062 with aspartic acid.
Molecular consequence: missense variant. On other transcripts: non-coding transcript variant (1).
Genome position (GRCh38, 1-based): chr2:74,365,086, C>T on the plus strand (G>A on the coding strand, the complement: DCTN1 is on the minus strand). VCF-style: chr2-74365086-C-T. GRCh37 (hg19) VCF-style: chr2-74592213-C-T.
Other names: c.3125G>A, p.Gly1042Asp (NM_001135040.3); c.2783G>A, p.Gly928Asp (NM_001135041.3, NM_023019.4); c.3074G>A, p.Gly1025Asp (NM_001190836.2); c.3164G>A, p.Gly1055Asp (NM_001190837.2); c.3134G>A, p.Gly1045Asp (NM_001378991.1); c.3116G>A, p.Gly1039Asp (NM_001378992.1); short protein forms G928D, G1062D, G1025D, G1055D, G1042D, G1039D, G1045D.
Identifiers: ClinVar variation 337077 (VCV000337077.9), dbSNP rs764918482, ClinGen allele CA1721606.

ClinVar aggregate classification (germline): Uncertain significance. Review status: criteria provided, multiple submitters, no conflicts (2 of 4 stars). 3 submissions from 2 submitters: Uncertain significance (3). Last evaluated 2025-10-18.

Conditions:
Neuronopathy, distal hereditary motor, type 7B. Also called: HMN VIIB; LOWER MOTOR NEURON DISEASE, DYNACTIN TYPE; NEURONOPATHY, DISTAL HEREDITARY MOTOR, AUTOSOMAL DOMINANT 14; NEURONOPATHY, DISTAL HEREDITARY MOTOR, HARDING TYPE VIIB; NEUROPATHY, DISTAL HEREDITARY MOTOR, HARDING TYPE VIIB; NEUROPATHY, DISTAL HEREDITARY MOTOR, WITH VOCAL CORD PARALYSIS, HARDING TYPE VIIB. Identifiers: Orphanet 139589, MedGen C1843315, MONDO:0011879, OMIM 607641.
Perry syndrome. Also called: PARKINSONISM WITH ALVEOLAR HYPOVENTILATION AND MENTAL DEPRESSION. Identifiers: Orphanet 178509, MedGen C1868594, MONDO:0008201, OMIM 168605.
Amyotrophic lateral sclerosis type 1 (ALS1). Also called: AMYOTROPHIC LATERAL SCLEROSIS 1, FAMILIAL. Identifiers: Orphanet 803, MedGen C1862939, MONDO:0007103, OMIM 105400.

Allele frequency attached by ClinVar (database versions not stated): ExAC 0.00001; gnomAD 0.00001; gnomAD exomes 0.00001 and 0.00002; TOPMed 0.00002.
gnomAD v4.1: 16 of 1,613,962 alleles (0.00099%); highest among the groups gnomAD compares: East Asian, 0.033%; no homozygotes.

Submissions (3):

Labcorp Genetics (formerly Invitae), Labcorp
Classification: Uncertain significance for Amyotrophic lateral sclerosis type 1; Neuronopathy, distal hereditary motor, type 7B; Perry syndrome. Last evaluated: 2025-10-18. Review status: criteria provided, single submitter. Criteria: Invitae Variant Classification Sherloc (09022015). Collection method: clinical testing. Allele origin: germline.
Comment: This sequence change replaces glycine, which is neutral and non-polar, with aspartic acid, which is acidic and polar, at codon 1062 of the DCTN1 protein (p.Gly1062Asp). This variant is present in population databases (rs764918482, gnomAD 0.02%). This missense change has been observed in individual(s) with clinical features of amyotrophic lateral sclerosis (PMID: 26742954, 28792508, 33973882, 34275688, 35193472). ClinVar contains an entry for this variant (Variation ID: 337077). Invitae Evidence Modeling of protein sequence and biophysical properties (such as structural, functional, and spatial information, amino acid conservation, physicochemical variation, residue mobility, and thermodynamic stability) indicates that this missense variant is not expected to disrupt DCTN1 protein function with a negative predictive value of 95%. In summary, the available evidence is currently insufficient to determine the role of this variant in disease. Therefore, it has been classified as a Variant of Uncertain Significance.

Illumina Laboratory Services, Illumina
Classification: Uncertain significance for Perry syndrome. Last evaluated: 2018-01-12. Review status: criteria provided, single submitter. Criteria: ICSL Variant Classification Criteria 13 December 2019. Collection method: clinical testing. Allele origin: germline.

Illumina Laboratory Services, Illumina
Classification: Uncertain significance for Neuronopathy, distal hereditary motor, type 7B. Last evaluated: 2018-01-12. Review status: criteria provided, single submitter. Criteria: ICSL Variant Classification Criteria 13 December 2019. Collection method: clinical testing. Allele origin: germline.

Literature cited by the submitters: PubMed 26742954 (cited by Labcorp Genetics (formerly Invitae), Labcorp); PubMed 28792508 (cited by Labcorp Genetics (formerly Invitae), Labcorp); PubMed 33973882 (cited by Labcorp Genetics (formerly Invitae), Labcorp); PubMed 34275688 (cited by Labcorp Genetics (formerly Invitae), Labcorp); PubMed 35193472 (cited by Labcorp Genetics (formerly Invitae), Labcorp).